The following is an entry in ClinVar:

ClinVar aggregate classification (germline): Uncertain significance (1 of 4 stars; one submission).

Submission:

Ambry Genetics
Classification: Uncertain significance. Last evaluated: 2025-07-10. Review status: criteria provided, single submitter. Criteria: Ambry Variant Classification Scheme 2023. Collection method: clinical testing. Allele origin: germline.
Comment: The p.G16A variant (also known as c.47G>C), located in coding exon 1 of the MLH3 gene, results from a G to C substitution at nucleotide position 47. The glycine at codon 16 is replaced by alanine, an amino acid with similar properties. This amino acid position is conserved. In addition, this alteration is predicted to be deleterious by in silico analysis. Based on the available evidence, the clinical significance of this variant remains unclear.

NM_001040108.2(MLH3):c.47G>C (p.Gly16Ala)

Gene: MLH3 (mutL homolog 3; minus strand). Cytogenetic location: 14q24.3.
Variant type: single nucleotide variant.
Coding change: c.47G>C on transcript NM_001040108.2 (MANE Select); coding-DNA position 47, G replaced by C.
Protein change: p.Gly16Ala; replaces glycine 16 with alanine.
Molecular consequence: missense variant.
Genome position (GRCh38, 1-based): chr14:75,049,609, C>G on the plus strand (G>C on the coding strand, the complement: MLH3 is on the minus strand). VCF-style: chr14-75049609-C-G. GRCh37 (hg19) VCF-style: chr14-75516312-C-G.
Other names: c.47G>C, p.Gly16Ala (NM_014381.3); short protein forms G16A.
Identifiers: ClinVar variation 4108637 (VCV004108637.1).